The following is an entry in ClinVar:

NM_004006.3(DMD):c.9504G>C (p.Leu3168Phe)

Gene: DMD (dystrophin; minus strand). Cytogenetic location: Xp21.2.
Variant type: single nucleotide variant.
Coding change: c.9504G>C on transcript NM_004006.3 (MANE Select); coding-DNA position 9504, G replaced by C.
Protein change: p.Leu3168Phe; replaces leucine 3168 with phenylalanine.
Molecular consequence: missense variant.
Genome position (GRCh38, 1-based): chrX:31,209,557, C>G on the plus strand (G>C on the coding strand, the complement: DMD is on the minus strand). VCF-style: chrX-31209557-C-G. GRCh37 (hg19) VCF-style: chrX-31227674-C-G.
Other names: c.9480G>C, p.Leu3160Phe (NM_000109.4); c.9492G>C, p.Leu3164Phe (NM_004009.3); c.9135G>C, p.Leu3045Phe (NM_004010.3); c.5481G>C, p.Leu1827Phe (NM_004011.4); c.5472G>C, p.Leu1824Phe (NM_004012.4); c.2124G>C, p.Leu708Phe (NM_004013.3, NM_004020.4, NM_004021.3 and 2 more transcripts); c.1317G>C, p.Leu439Phe (NM_004014.3); c.300G>C, p.Leu100Phe (NM_004015.3, NM_004016.3, NM_004017.3 and 2 more transcripts); short protein forms L1827F, L3045F, L3160F, L1824F, L100F, L708F, L3164F, L3168F.
Identifiers: ClinVar variation 937429 (VCV000937429.15), dbSNP rs185247491, ClinGen allele CA10377796.

ClinVar aggregate classification (germline): Conflicting classifications of pathogenicity. Review status: criteria provided, conflicting classifications (1 of 4 stars). 4 submissions from 4 submitters: Uncertain significance (2); Likely benign (1). 1 of the submissions does not count toward it. Last evaluated 2025-12-29.

Conditions:
Cardiovascular phenotype. Identifiers: MedGen CN230736.
Dilated cardiomyopathy 3B (CMD3B). Also called: CMD3B: DMD-Related Dilated Cardiomyopathy; CARDIOMYOPATHY, DILATED, X-LINKED; DMD-Associated Dilated Cardiomyopathy. Identifiers: Orphanet 154, MedGen C3668940, MONDO:0010542, OMIM 302045.
Becker muscular dystrophy (BMD). Also called: MUSCULAR DYSTROPHY, PSEUDOHYPERTROPHIC PROGRESSIVE, BECKER TYPE; Becker Muscular Dystrophy (BMD). Identifiers: Orphanet 98895, MedGen C0917713, MONDO:0010311, OMIM 300376.
Duchenne muscular dystrophy (DMD). Also called: Duchenne Muscular Dystrophy (DMD); MUSCULAR DYSTROPHY, PSEUDOHYPERTROPHIC PROGRESSIVE, DUCHENNE TYPE. Identifiers: Orphanet 98896, MedGen C0013264, MONDO:0010679, OMIM 310200.
Cardiomyopathy (CMYO). Also called: Cardiomyopathies. Identifiers: Orphanet 167848, MedGen C0878544, MONDO:0004994, HP:0001638. Inheritance: Various modes of inheritance.
Dystrophin deficiency.

Allele frequency attached by ClinVar (database versions not stated): gnomAD exomes 0.00001 and 0.00002; TOPMed 0.00002; ExAC 0.00005; gnomAD 0.00005 and 0.00007; ESP Exome Variant Server 0.00009; 1000 Genomes Project 30x 0.00062; 1000 Genomes Project 0.00079.
gnomAD v4.1: 14 of 1,209,426 alleles (0.0012%); highest among the groups gnomAD compares: African/African-American, 0.025%; no homozygotes.

Submissions (4):

Labcorp Genetics (formerly Invitae), Labcorp
Classification: Likely benign for Duchenne muscular dystrophy. Last evaluated: 2025-12-29. Review status: criteria provided, single submitter. Criteria: Invitae Variant Classification Sherloc (09022015). Collection method: clinical testing. Allele origin: germline.

Ambry Genetics
Classification: Uncertain significance for Cardiovascular phenotype. Last evaluated: 2025-11-06. Review status: criteria provided, single submitter. Criteria: Ambry Variant Classification Scheme 2023. Collection method: clinical testing. Allele origin: germline.
Comment: The p.L3168F variant (also known as c.9504G>C), located in coding exon 65 of the DMD gene, results from a G to C substitution at nucleotide position 9504. The leucine at codon 3168 is replaced by phenylalanine, an amino acid with highly similar properties. Based on data from gnomAD, the C allele has an overall frequency of 0.002% (4/205264) total alleles studied, with 1 hemizygote observed. The highest observed frequency was 0.02% (4/18979) of African/African-American alleles. This amino acid position is highly conserved in available vertebrate species. In addition, the in silico prediction for this alteration is inconclusive. Since supporting evidence is limited at this time, the clinical significance of this alteration remains unclear.

Fulgent Genetics
Classification: Uncertain significance for Becker muscular dystrophy; Dilated cardiomyopathy 3B; Duchenne muscular dystrophy. Last evaluated: 2021-08-27. Review status: criteria provided, single submitter. Criteria: ACMG Guidelines, 2015. Collection method: clinical testing. Allele origin: unknown.

Natera, Inc.
Classification: Uncertain significance for Becker muscular dystrophy; Cardiomyopathy; Duchenne muscular dystrophy; Dystrophin deficiency. Last evaluated: 2019-07-10. Review status: no assertion criteria provided. Collection method: clinical testing. Allele origin: germline. Not counted in ClinVar's aggregate classification.